The following is an entry in ClinVar:

NM_000070.3(CAPN3):c.1513G>A (p.Ala505Thr)

Gene: CAPN3 (calpain 3; plus strand). Cytogenetic location: 15q15.1.
Variant type: single nucleotide variant.
Coding change: c.1513G>A on transcript NM_000070.3 (MANE Select); coding-DNA position 1513, G replaced by A.
Protein change: p.Ala505Thr; replaces alanine 505 with threonine.
Molecular consequence: missense variant.
Genome position (GRCh38, 1-based): chr15:42,401,799, G>A. VCF-style: chr15-42401799-G-A. GRCh37 (hg19) VCF-style: chr15-42693997-G-A.
Other names: c.1513G>A, p.Ala505Thr (NM_024344.2); c.1369G>A, p.Ala457Thr (NM_173087.2); short protein forms A457T, A505T.
Identifiers: ClinVar variation 1497207 (VCV001497207.8), dbSNP rs1555422133, ClinGen allele CA391999991.
Genomic context (GRCh38, chr15:42,401,799, plus strand): 5'-ATGCAGAAGAACCGGCGGAAGGACCGGAAGCTAGGGGCCAGTCTCTTCACCATTGGCTTC[G>A]CCATCTACGAGGTGTGCAGTCCTGATTGGCTCCAGCCCAGGAAACATACTTTCCCAGGGA-3'
Protein context (NP_000061.1, residues 495-515): LGASLFTIGF[Ala505Thr]IYEVPKEMHG

ClinVar aggregate classification (germline): Uncertain significance (1 of 4 stars; one submission).

Conditions:
Autosomal recessive limb-girdle muscular dystrophy type 2A (LGMDR1). Also called: Limb-girdle muscular dystrophy, type 2A; Muscular dystrophy, limb-girdle, type 2A, Amish; Calpainopathy; LEYDEN-MOEBIUS MUSCULAR DYSTROPHY; MUSCULAR DYSTROPHY, PELVOFEMORAL. Identifiers: Orphanet 267, MedGen C1869123, MONDO:0009675, OMIM 253600. Disease mechanism: loss of function.

gnomAD v4.1: 7 of 1,613,184 alleles (0.00043%); highest among the groups gnomAD compares: South Asian, 0.0011%; no homozygotes.

Submission:

Labcorp Genetics (formerly Invitae), Labcorp
Classification: Uncertain significance for Autosomal recessive limb-girdle muscular dystrophy type 2A. Last evaluated: 2022-07-03. Review status: criteria provided, single submitter. Criteria: Invitae Variant Classification Sherloc (09022015). Collection method: clinical testing. Allele origin: germline.
Comment: This variant is not present in population databases (gnomAD no frequency). In summary, the available evidence is currently insufficient to determine the role of this variant in disease. Therefore, it has been classified as a Variant of Uncertain Significance. Algorithms developed to predict the effect of missense changes on protein structure and function are either unavailable or do not agree on the potential impact of this missense change (SIFT: "Deleterious"; PolyPhen-2: "Probably Damaging"; Align-GVGD: "Class C0"). ClinVar contains an entry for this variant (Variation ID: 1497207). This variant has not been reported in the literature in individuals affected with CAPN3-related conditions. This sequence change replaces alanine, which is neutral and non-polar, with threonine, which is neutral and polar, at codon 505 of the CAPN3 protein (p.Ala505Thr).